The following is an entry in ClinVar:

ClinVar aggregate classification (germline): Likely benign (0 of 4 stars; one submission).

Conditions:
SLITRK5-related disorder. Also called: SLITRK5-related condition.

Allele frequency attached by ClinVar (database versions not stated): TOPMed 0.00011; gnomAD 0.00016; 1000 Genomes Project 30x 0.00031; gnomAD exomes 0.00031; ExAC 0.00035; 1000 Genomes Project 0.00040.
gnomAD v4.1: 484 of 1,614,056 alleles (0.03%); highest among the groups gnomAD compares: East Asian, 0.82%; 3 homozygotes.

Submission:

PreventionGenetics, part of Exact Sciences
Classification: Likely benign for SLITRK5-related condition. Last evaluated: 2019-02-26. Review status: no assertion criteria provided. Collection method: clinical testing. Allele origin: germline.
Comment: This variant is classified as likely benign based on ACMG/AMP sequence variant interpretation guidelines (Richards et al. 2015 PMID: 25741868, with internal and published modifications).

NM_001384609.1(SLITRK5):c.1317C>T (p.His439=)

Gene: SLITRK5 (SLIT and NTRK like family member 5; plus strand). Cytogenetic location: 13q31.2.
Variant type: single nucleotide variant.
Coding change: c.1317C>T on transcript NM_001384609.1 (MANE Select); coding-DNA position 1317, C replaced by T.
Protein change: p.His439=; no amino-acid change (histidine 439 retained).
Molecular consequence: synonymous variant.
Genome position (GRCh38, 1-based): chr13:87,676,705, C>T. VCF-style: chr13-87676705-C-T. GRCh37 (hg19) VCF-style: chr13-88328960-C-T.
Other names: c.1317C>T, p.His439= (NM_001384610.1, NM_015567.2).
Identifiers: ClinVar variation 3058635 (VCV003058635.2), dbSNP rs186014346, ClinGen allele CA7015628.
Genomic context (GRCh38, chr13:87,676,705, plus strand): 5'-CTACATCGCTGTCGTGCGCAGGACAGACTTCCTGGAGGCCACGGGGCTGGACCTCCTGCA[C>T]CTGGGGAATAACCGCATCTCGATGATCCAGGACCGCGCTTTCGGGGATCTCACCAACCTG-3'
Protein context (NP_001371538.1, residues 429-449): FLEATGLDLL[His439=]LGNNRISMIQ